The following is an entry in ClinVar:

ClinVar aggregate classification (germline): Likely benign (1 of 4 stars; one submission).

Submission:

CeGaT Center for Human Genetics Tuebingen
Classification: Likely benign. Last evaluated: 2024-11-01. Review status: criteria provided, single submitter. Criteria: CeGaT Center For Human Genetics Tuebingen Variant Classification Criteria Version 2. Collection method: clinical testing. Allele origin: germline. Affected: yes. Observed: 1 variant allele.
Comment: NOTCH2: PM2:Supporting, BP4, BP7

NM_024408.4(NOTCH2):c.69G>C (p.Ala23=)

Gene: NOTCH2 (notch receptor 2; minus strand). Cytogenetic location: 1p12.
Variant type: single nucleotide variant.
Coding change: c.69G>C on transcript NM_024408.4 (MANE Select); coding-DNA position 69, G replaced by C.
Protein change: p.Ala23=; no amino-acid change (alanine 23 retained).
Molecular consequence: synonymous variant.
Genome position (GRCh38, 1-based): chr1:120,069,338, C>G on the plus strand (G>C on the coding strand, the complement: NOTCH2 is on the minus strand). VCF-style: chr1-120069338-C-G. GRCh37 (hg19) VCF-style: chr1-120611952-C-G.
Other names: c.69G>C, p.Ala23= (NM_001200001.2).
Identifiers: ClinVar variation 3389240 (VCV003389240.14).